The following is an entry in ClinVar:

ClinVar aggregate classification (germline): Benign/Likely benign. Review status: criteria provided, multiple submitters, no conflicts (2 of 4 stars). 5 submissions from 5 submitters: Benign (1); Likely benign (4). Last evaluated 2026-08-19.

Conditions:
Cardiovascular phenotype. Identifiers: MedGen CN230736.
Cardiomyopathy (CMYO). Also called: Cardiomyopathies. Identifiers: Orphanet 167848, MedGen C0878544, MONDO:0004994, HP:0001638. Inheritance: Various modes of inheritance.
Hypertrophic cardiomyopathy. Also called: HYPERTROPHIC MYOCARDIOPATHY. Identifiers: Orphanet 217569, MedGen C0007194, MeSH D002312, MONDO:0005045, HP:0001639.

Allele frequency attached by ClinVar (database versions not stated): gnomAD exomes below 0.00001 and 0.00001; gnomAD 0.00001; TOPMed 0.00001.
gnomAD v4.1: 3 of 1,601,334 alleles (0.00019%); highest among the groups gnomAD compares: African/African-American, 0.004%; no homozygotes.

Submissions (5):

Ambry Genetics
Classification: Likely benign for Cardiovascular phenotype. Last evaluated: 2026-08-19. Review status: criteria provided, single submitter. Criteria: Ambry Variant Classification Scheme 2023. Collection method: clinical testing. Allele origin: germline.

Labcorp Genetics (formerly Invitae), Labcorp
Classification: Likely benign for Hypertrophic cardiomyopathy. Last evaluated: 2025-11-10. Review status: criteria provided, single submitter. Criteria: Invitae Variant Classification Sherloc (09022015). Collection method: clinical testing. Allele origin: germline.

Women's Health and Genetics/Laboratory Corporation of America, LabCorp
Classification: Likely benign. Last evaluated: 2020-04-12. Review status: criteria provided, single submitter. Criteria: LabCorp Variant Classification Summary - May 2015. Collection method: clinical testing. Allele origin: germline.

Color Diagnostics, LLC DBA Color Health
Classification: Likely benign for Cardiomyopathy. Last evaluated: 2018-04-28. Review status: criteria provided, single submitter. Criteria: ACMG Guidelines, 2015. Collection method: clinical testing. Allele origin: germline.

GeneDx
Classification: Benign. Last evaluated: 2014-01-21. Review status: criteria provided, single submitter. Criteria: GeneDx Variant Classification (06012015). Collection method: clinical testing. Allele origin: germline. Affected: yes.
Comment: This variant is considered likely benign or benign based on one or more of the following criteria: it is a conservative change, it occurs at a poorly conserved position in the protein, it is predicted to be benign by multiple in silico algorithms, and/or has population frequency not consistent with disease.

NM_000257.4(MYH7):c.3402G>A (p.Lys1134=)

Gene: MYH7 (myosin heavy chain 7; minus strand). Cytogenetic location: 14q11.2.
Variant type: single nucleotide variant.
Coding change: c.3402G>A on transcript NM_000257.4 (MANE Select); coding-DNA position 3402, G replaced by A.
Protein change: p.Lys1134=; no amino-acid change (lysine 1134 retained).
Molecular consequence: synonymous variant.
Genome position (GRCh38, 1-based): chr14:23,420,169, C>T on the plus strand (G>A on the coding strand, the complement: MYH7 is on the minus strand). VCF-style: chr14-23420169-C-T. GRCh37 (hg19) VCF-style: chr14-23889378-C-T.
Other names: p.K1134K:AAG>AAA; c.3402G>A (LRG_384t1).
Identifiers: ClinVar variation 138377 (VCV000138377.12), dbSNP rs587781083, ClinGen allele CA013671.